The following continues an entry in ClinVar:

NM_001098.3(ACO2):c.220C>G (p.Leu74Val)

Gene: ACO2. ClinVar aggregate classification (germline): Conflicting classifications of pathogenicity. Likely pathogenic (2); Uncertain significance (10); Benign (1); Likely benign (3).

Submissions 16 to 18 of 18:

Eurofins Ntd Llc (ga)
Classification: Uncertain significance. Last evaluated: 2016-10-12. Review status: criteria provided, single submitter. Criteria: EGL Classification Definitions 2015. Collection method: clinical testing. Allele origin: germline. Observed: 1 variant allele, 1 heterozygote.

OMIM
Classification: Pathogenic for OPTIC ATROPHY 9, AUTOSOMAL RECESSIVE. Last evaluated: 2014-12-01. Review status: no assertion criteria provided. Collection method: literature only. Allele origin: germline. Not counted in ClinVar's aggregate classification.

Department of Pathology and Laboratory Medicine, Sinai Health System
Classification: Uncertain significance. Review status: no assertion criteria provided. Collection method: clinical testing. Allele origin: unknown. Affected: yes. Study: The Canadian Open Genetics Repository (COGR). Not counted in ClinVar's aggregate classification.
Comment: The ACO2 p.Leu74Val variant was identified in the literature in two adult male siblings with optic atrophy beginning in childhood; the p.L74V variant was found as a compound heterozygous mutation with a ACO2 p.G661R variant. Decreased ACO2 protein levels were observed in fibroblasts from these two patients (Metodiev_2014_PMID:25351951). The variant was identified in dbSNP (ID: rs141772938) and ClinVar (classified as uncertain significance by Fulgent Genetics, GeneDx, EGL Genetics and Mayo Clinic, and as likely pathogenic by CeGaT Praxis fuer Humangenetik Tuebingen). The variant was identified in control databases in 1055 of 282256 chromosomes (4 homozygous) at a frequency of 0.003738 increasing the likelihood this could be a low frequency benign variant (Genome Aggregation Database March 6, 2019, v2.1.1). The variant was observed in the following populations: European (non-Finnish) in 839 of 128790 chromosomes (freq: 0.006514), Other in 30 of 7208 chromosomes (freq: 0.004162), European (Finnish) in 80 of 25082 chromosomes (freq: 0.00319), South Asian in 52 of 30602 chromosomes (freq: 0.001699), African in 23 of 24894 chromosomes (freq: 0.000924) and Latino in 31 of 35394 chromosomes (freq: 0.000876), but was not observed in the Ashkenazi Jewish or East Asian populations. The p.Leu74 residue is conserved in mammals and computational analyses (PolyPhen-2, SIFT, AlignGVGD, BLOSUM, MutationTaster) provide inconsistent predictions regarding the impact to the protein; this information is not very predictive of pathogenicity. The variant occurs outside of the splicing consensus sequence and in silico or computational prediction software programs (SpliceSiteFinder, MaxEntScan, NNSPLICE, GeneSplicer) do not predict a difference in splicing. In summary, based on the above information the clinical significance of this variant cannot be determined with certainty at this time. This variant is classified as a variant of uncertain significance.

Literature cited by the submitters: PubMed 25351951 (cited by 4 submitters); PubMed 29577077 (cited by Mayo Clinic Laboratories, Mayo Clinic); PubMed 30118607 (cited by Mayo Clinic Laboratories, Mayo Clinic and Institute of Human Genetics, Univ. Regensburg, Univ. Regensburg); PubMed 30689204 (cited by Mayo Clinic Laboratories, Mayo Clinic); PubMed 31106992 (cited by Mayo Clinic Laboratories, Mayo Clinic); PubMed 31765440 (cited by Mayo Clinic Laboratories, Mayo Clinic); PubMed 32449285 (cited by Mayo Clinic Laboratories, Mayo Clinic and OMIM); PubMed 32519519 (cited by Mayo Clinic Laboratories, Mayo Clinic); PubMed 32713659 (cited by Mayo Clinic Laboratories, Mayo Clinic); PubMed 33028849 (cited by Mayo Clinic Laboratories, Mayo Clinic); PubMed 34056600 (cited by 3 submitters); PubMed 34234304 (cited by 3 submitters); PubMed 34354088 (cited by Mayo Clinic Laboratories, Mayo Clinic); PubMed 35368710 (cited by Mayo Clinic Laboratories, Mayo Clinic); PubMed 37734845 (cited by Mayo Clinic Laboratories, Mayo Clinic); PubMed 38927562 (cited by Mayo Clinic Laboratories, Mayo Clinic); PubMed 39337438 (cited by Mayo Clinic Laboratories, Mayo Clinic); PubMed 39462066 (cited by Mayo Clinic Laboratories, Mayo Clinic); PubMed 34426522 (cited by Institute of Human Genetics, Univ. Regensburg, Univ. Regensburg).